The following is an entry in ClinVar:

NM_000077.5(CDKN2A):c.370C>A (p.Arg124Ser)

Gene: CDKN2A (cyclin dependent kinase inhibitor 2A; minus strand). Cytogenetic location: 9p21.3.
Variant type: single nucleotide variant.
Coding change: c.370C>A on transcript NM_000077.5; coding-DNA position 370, C replaced by A.
Protein change: p.Arg124Ser; replaces arginine 124 with serine.
Molecular consequence: missense variant (on NM_000077.6). On other transcripts: 3 prime UTR variant (2).
Genome position (GRCh38, 1-based): chr9:21,970,989, G>T on the plus strand (C>A on the coding strand, the complement: CDKN2A is on the minus strand). VCF-style: chr9-21970989-G-T. GRCh37 (hg19) VCF-style: chr9-21970988-G-T.
Other names: c.370C>A, p.Arg124Ser (NM_000077.6, NM_001195132.2); c.217C>A, p.Arg73Ser (NM_001363763.2); c.*14C>A (NM_058195.4); c.*293C>A (NM_058197.5); short protein forms R124S, R73S.
Identifiers: ClinVar variation 824106 (VCV000824106.6), dbSNP rs34170727, ClinGen allele CA373085965.
Genomic context (GRCh38, chr9:21,970,989, plus strand): 5'-GGGCATGGTTACTGCCTCTGGTGCCCCCCGCAGCCGCGCGCAGGTACCGTGCGACATCGC[G>T]ATGGCCCAGCTCCTCAGCCAGGTCCACGGGCAGACGGCCCCAGGCATCGCGCACGTCCAG-3'
Protein context (NP_000068.1, residues 114-134): PVDLAEELGH[Arg124Ser]DVARYLRAAA

ClinVar aggregate classification (germline): Uncertain significance. Review status: criteria provided, multiple submitters, no conflicts (2 of 4 stars). 2 submissions from 2 submitters: Uncertain significance (2). Last evaluated 2021-12-20.

Conditions:
Hereditary cancer-predisposing syndrome. Also called: Neoplastic Syndromes, Hereditary; Tumor predisposition; Hereditary Cancer Syndrome; Hereditary neoplastic syndrome. Identifiers: Orphanet 140162, MedGen C0027672, MeSH D009386, MONDO:0015356.

Submissions (2):

Color Diagnostics, LLC DBA Color Health
Classification: Uncertain significance for Hereditary cancer-predisposing syndrome. Last evaluated: 2021-12-20. Review status: criteria provided, single submitter. Criteria: ACMG Guidelines, 2015. Collection method: clinical testing. Allele origin: germline.
Comment: This missense variant replaces arginine with serine at codon 124 of the CDKN2A (p16INK4A) protein. Computational prediction is inconclusive regarding the impact of this variant on protein structure and function (internally defined REVEL score threshold 0.5 < inconclusive < 0.7, PMID: 27666373). To our knowledge, functional studies have not been reported for this variant. This variant has not been reported in individuals affected with hereditary cancer in the literature. This variant has not been identified in the general population by the Genome Aggregation Database (gnomAD). The available evidence is insufficient to determine the role of this variant in disease conclusively. Therefore, this variant is classified as a Variant of Uncertain Significance.

Ambry Genetics
Classification: Uncertain significance for Hereditary cancer-predisposing syndrome. Last evaluated: 2018-11-27. Review status: criteria provided, single submitter. Criteria: Ambry Variant Classification Scheme 2023. Collection method: clinical testing. Allele origin: germline.
Comment: The p.R124S variant (also known as c.370C>A), located in coding exon 2 of the CDKN2A gene, results from a C to A substitution at nucleotide position 370. The arginine at codon 124 is replaced by serine, an amino acid with dissimilar properties. This amino acid position is poorly conserved in available vertebrate species. In addition, the in silico prediction for this alteration is inconclusive. Since supporting evidence is limited at this time, the clinical significance of this alteration remains unclear.